The following is an entry in ClinVar:

NM_000138.5(FBN1):c.626G>C (p.Cys209Ser)

Gene: FBN1 (fibrillin 1; minus strand). Cytogenetic location: 15q21.1.
Variant type: single nucleotide variant.
Coding change: c.626G>C on transcript NM_000138.5 (MANE Select); coding-DNA position 626, G replaced by C.
Protein change: p.Cys209Ser; replaces cysteine 209 with serine.
Molecular consequence: missense variant.
Genome position (GRCh38, 1-based): chr15:48,537,721, C>G on the plus strand (G>C on the coding strand, the complement: FBN1 is on the minus strand). VCF-style: chr15-48537721-C-G. GRCh37 (hg19) VCF-style: chr15-48829918-C-G.
Other names: short protein forms C209S.
Identifiers: ClinVar variation 549338 (VCV000549338.10), dbSNP rs1555401687, ClinGen allele CA392446010.

ClinVar aggregate classification (germline): Pathogenic. Review status: criteria provided, single submitter (1 of 4 stars). 2 submissions from 2 submitters: Pathogenic (1). 1 of the submissions does not count toward it. Last evaluated 2019-03-13.

Conditions:
Familial thoracic aortic aneurysm and aortic dissection (TAAD). Also called: Thoracic aortic aneurysms and dissections. Identifiers: Orphanet 91387, MedGen C4707243, MONDO:0019625.
Marfan syndrome (MFS). Also called: Marfan syndrome type 1; Marfan syndrome, classic; Marfan's syndrome; FBN1-Related Marfan Syndrome; MARFAN SYNDROME, TYPE I. Identifiers: Orphanet 284963, Orphanet 558, MedGen C0024796, MONDO:0007947, OMIM 154700.

Submissions (2):

Labcorp Genetics (formerly Invitae), Labcorp
Classification: Pathogenic for Marfan syndrome; Familial thoracic aortic aneurysm and aortic dissection. Last evaluated: 2019-03-13. Review status: criteria provided, single submitter. Criteria: Invitae Variant Classification Sherloc (09022015). Collection method: clinical testing. Allele origin: germline.
Comment: This sequence change replaces cysteine with serine at codon 209 of the FBN1 protein (p.Cys209Ser). The cysteine residue is highly conserved and there is a moderate physicochemical difference between cysteine and serine. For these reasons, this variant has been classified as Pathogenic. This variant disrupts the p.Cys209 amino acid residue in FBN1. Other variant(s) that disrupt this residue have been observed in individuals with FBN1-related conditions (PMID: 19293843, 25652356, Invitae), which suggests that this may be a clinically significant amino acid residue. This variant affects a cysteine residue in the EGF-like, TGFBP or hybrid motif domains of FBN1. Cysteine residues are believed to be involved in intramolecular disulfide bridges and have been shown to be important for FBN1 protein structure (PMID: 16905551, 19349279). In addition, missense substitutions affecting cysteine residues within these domains are significantly overrepresented among patients with Marfan syndrome (PMID: 16571647, 17701892). ClinVar contains an entry for this variant (Variation ID: 549338). This variant is not present in population databases (ExAC no frequency).

Center for Medical Genetics Ghent, University of Ghent
Classification: Likely pathogenic for Marfan syndrome. Last evaluated: 2017-11-07. Review status: no assertion criteria provided. Collection method: clinical testing. Allele origin: germline. Affected: yes. Not counted in ClinVar's aggregate classification.

Literature cited by the submitters: PubMed 19293843 (cited by Labcorp Genetics (formerly Invitae), Labcorp); PubMed 25652356 (cited by Labcorp Genetics (formerly Invitae), Labcorp); PubMed 16905551 (cited by Labcorp Genetics (formerly Invitae), Labcorp); PubMed 19349279 (cited by Labcorp Genetics (formerly Invitae), Labcorp); PubMed 16571647 (cited by Labcorp Genetics (formerly Invitae), Labcorp); PubMed 17701892 (cited by Labcorp Genetics (formerly Invitae), Labcorp).